The following is an entry in ClinVar:

NC_000012.12:g.(?_132648919)_(132649899_?)del

Gene: POLE (DNA polymerase epsilon, catalytic subunit; minus strand). Cytogenetic location: 12q24.33.
Variant type: Deletion.
Identifiers: ClinVar variation 639870 (VCV000639870.6).

ClinVar aggregate classification (germline): Uncertain significance (1 of 4 stars; one submission).

Submission:

Labcorp Genetics (formerly Invitae), Labcorp
Classification: Uncertain significance. Last evaluated: 2023-11-10. Review status: criteria provided, single submitter. Criteria: Invitae Variant Classification Sherloc (09022015). Collection method: clinical testing. Allele origin: germline.
Comment: This variant is a gross deletion of the genomic region encompassing exon(s) 30-32 of the POLE gene. This variant would be expected to be in-frame, preserving the integrity of the reading frame. This variant has not been reported in the literature in individuals affected with POLE-related conditions. Experimental studies and prediction algorithms are not available or were not evaluated, and the functional significance of this variant is currently unknown. In summary, the available evidence is currently insufficient to determine the role of this variant in disease. Therefore, it has been classified as a Variant of Uncertain Significance.